The following is an entry in ClinVar:

ClinVar aggregate classification (germline): Likely benign. Review status: criteria provided, single submitter (1 of 4 stars). 2 submissions from 2 submitters: Likely benign (1). 1 of the submissions does not count toward it. Last evaluated 2025-12-01.

Conditions:
PLXNA2-related disorder. Also called: PLXNA2-related condition.

Allele frequency attached by ClinVar (database versions not stated): TOPMed 0.00003; gnomAD 0.00006; ExAC 0.00016; gnomAD exomes 0.00018; 1000 Genomes Project 30x 0.00078; 1000 Genomes Project 0.00100.
gnomAD v4.1: 257 of 1,614,070 alleles (0.016%); highest among the groups gnomAD compares: East Asian, 0.53%; 2 homozygotes.

Submissions (2):

Labcorp Genetics (formerly Invitae), Labcorp
Classification: Likely benign. Last evaluated: 2025-12-01. Review status: criteria provided, single submitter. Criteria: Invitae Variant Classification Sherloc (09022015). Collection method: clinical testing. Allele origin: germline.

PreventionGenetics, part of Exact Sciences
Classification: Likely benign for PLXNA2-related condition. Last evaluated: 2022-06-08. Review status: no assertion criteria provided. Collection method: clinical testing. Allele origin: germline. Not counted in ClinVar's aggregate classification.
Comment: This variant is classified as likely benign based on ACMG/AMP sequence variant interpretation guidelines (Richards et al. 2015 PMID: 25741868, with internal and published modifications).

NM_025179.4(PLXNA2):c.5271C>T (p.Phe1757=)

Gene: PLXNA2 (plexin A2; minus strand). Cytogenetic location: 1q32.2.
Variant type: single nucleotide variant.
Coding change: c.5271C>T on transcript NM_025179.4 (MANE Select); coding-DNA position 5271, C replaced by T.
Protein change: p.Phe1757=; no amino-acid change (phenylalanine 1757 retained).
Molecular consequence: synonymous variant.
Genome position (GRCh38, 1-based): chr1:208,028,997, G>A on the plus strand (C>T on the coding strand, the complement: PLXNA2 is on the minus strand). VCF-style: chr1-208028997-G-A. GRCh37 (hg19) VCF-style: chr1-208202342-G-A.
Identifiers: ClinVar variation 3054467 (VCV003054467.3), dbSNP rs201452499, ClinGen allele CA1372593.